The following is an entry in ClinVar:

NM_006269.2(RP1):c.346G>T (p.Asp116Tyr)

Gene: RP1 (RP1 axonemal microtubule associated; plus strand). Cytogenetic location: 8q12.1.
Variant type: single nucleotide variant.
Coding change: c.346G>T on transcript NM_006269.2 (MANE Select); coding-DNA position 346, G replaced by T.
Protein change: p.Asp116Tyr; replaces aspartic acid 116 with tyrosine.
Molecular consequence: missense variant.
Genome position (GRCh38, 1-based): chr8:54,621,312, G>T. VCF-style: chr8-54621312-G-T. GRCh37 (hg19) VCF-style: chr8-55533872-G-T.
Other names: c.346G>T, p.Asp116Tyr (NM_001375654.1); short protein forms D116Y.
Identifiers: ClinVar variation 1374277 (VCV001374277.8), dbSNP rs2129314273, ClinGen allele CA370986387.

ClinVar aggregate classification (germline): Uncertain significance (1 of 4 stars; one submission).

Submission:

Labcorp Genetics (formerly Invitae), Labcorp
Classification: Uncertain significance. Last evaluated: 2022-07-12. Review status: criteria provided, single submitter. Criteria: Invitae Variant Classification Sherloc (09022015). Collection method: clinical testing. Allele origin: germline.
Comment: This sequence change replaces aspartic acid, which is acidic and polar, with tyrosine, which is neutral and polar, at codon 116 of the RP1 protein (p.Asp116Tyr). This variant is not present in population databases (gnomAD no frequency). This variant has not been reported in the literature in individuals affected with RP1-related conditions. ClinVar contains an entry for this variant (Variation ID: 1374277). Algorithms developed to predict the effect of missense changes on protein structure and function (SIFT, PolyPhen-2, Align-GVGD) all suggest that this variant is likely to be disruptive. In summary, the available evidence is currently insufficient to determine the role of this variant in disease. Therefore, it has been classified as a Variant of Uncertain Significance.